The following is an entry in ClinVar:

NM_001099922.3(ALG13):c.1669A>G (p.Met557Val)

Gene: ALG13 (ALG13 UDP-N-acetylglucosaminyltransferase subunit; plus strand). Cytogenetic location: Xq23.
Variant type: single nucleotide variant.
Coding change: c.1669A>G on transcript NM_001099922.3 (MANE Select); coding-DNA position 1669, A replaced by G.
Protein change: p.Met557Val; replaces methionine 557 with valine.
Molecular consequence: missense variant. On other transcripts: non-coding transcript variant (1).
Genome position (GRCh38, 1-based): chrX:111,725,001, A>G. VCF-style: chrX-111725001-A-G. GRCh37 (hg19) VCF-style: chrX-110968229-A-G.
Other names: c.1357A>G, p.Met453Val (NM_001257230.2, NM_001257234.2, NM_001257237.2); c.1435A>G, p.Met479Val (NM_001257231.2); c.1669A>G, p.Met557Val (NM_001324292.2); c.1183A>G, p.Met395Val (NM_001324293.1); short protein forms M395V, M479V, M453V, M557V.
Identifiers: ClinVar variation 4707376 (VCV004707376.1).

ClinVar aggregate classification (germline): Uncertain significance (1 of 4 stars; one submission).

Conditions:
Developmental and epileptic encephalopathy, 36 (DEE36). Also called: Congenital disorder of glycosylation, type Is; Epileptic encephalopathy, early infantile, 36; ALG13-CDG. Identifiers: Orphanet 324422, MedGen C4317295, MONDO:0010472, OMIM 300884.

gnomAD v4.1: 5 of 1,211,239 alleles (0.00041%); highest among the groups gnomAD compares: Non-Finnish European, 0.00056%; no homozygotes.

Submission:

Labcorp Genetics (formerly Invitae), Labcorp
Classification: Uncertain significance for Developmental and epileptic encephalopathy, 36. Last evaluated: 2025-03-03. Review status: criteria provided, single submitter. Criteria: Invitae Variant Classification Sherloc (09022015). Collection method: clinical testing. Allele origin: germline.
Comment: This sequence change replaces methionine, which is neutral and non-polar, with valine, which is neutral and non-polar, at codon 557 of the ALG13 protein (p.Met557Val). This variant is not present in population databases (gnomAD no frequency). This variant has not been reported in the literature in individuals affected with ALG13-related conditions. Invitae Evidence Modeling of protein sequence and biophysical properties (such as structural, functional, and spatial information, amino acid conservation, physicochemical variation, residue mobility, and thermodynamic stability) indicates that this missense variant is not expected to disrupt ALG13 protein function with a negative predictive value of 95%. In summary, the available evidence is currently insufficient to determine the role of this variant in disease. Therefore, it has been classified as a Variant of Uncertain Significance.